The following is an entry in ClinVar:

ClinVar aggregate classification (germline): Uncertain significance (1 of 4 stars; one submission).

Conditions:
Chédiak-Higashi syndrome (CHS). Also called: Chediak-Higashi Syndrome. Identifiers: Orphanet 167, MedGen C0007965, MONDO:0008963, OMIM 214500.

Allele frequency attached by ClinVar (database versions not stated): gnomAD exomes below 0.00001.
gnomAD v4.1: 2 of 1,614,014 alleles (0.00012%); highest among the groups gnomAD compares: Non-Finnish European, 0.00017%; no homozygotes.

Submission:

Labcorp Genetics (formerly Invitae), Labcorp
Classification: Uncertain significance for Chédiak-Higashi syndrome. Last evaluated: 2022-07-11. Review status: criteria provided, single submitter. Criteria: Invitae Variant Classification Sherloc (09022015). Collection method: clinical testing. Allele origin: germline.
Comment: In summary, the available evidence is currently insufficient to determine the role of this variant in disease. Therefore, it has been classified as a Variant of Uncertain Significance. ClinVar contains an entry for this variant (Variation ID: 1361324). Algorithms developed to predict the effect of missense changes on protein structure and function output the following: SIFT: "Tolerated"; PolyPhen-2: "Benign"; Align-GVGD: "Class C0". The arginine amino acid residue is found in multiple mammalian species, which suggests that this missense change does not adversely affect protein function. This variant has not been reported in the literature in individuals affected with LYST-related conditions. This variant is not present in population databases (gnomAD no frequency). This sequence change replaces serine, which is neutral and polar, with arginine, which is basic and polar, at codon 2291 of the LYST protein (p.Ser2291Arg).

NM_000081.4(LYST):c.6871A>C (p.Ser2291Arg)

Gene: LYST (lysosomal trafficking regulator; minus strand). Cytogenetic location: 1q42.3.
Variant type: single nucleotide variant.
Coding change: c.6871A>C on transcript NM_000081.4 (MANE Select); coding-DNA position 6871, A replaced by C.
Protein change: p.Ser2291Arg; replaces serine 2291 with arginine.
Molecular consequence: missense variant.
Genome position (GRCh38, 1-based): chr1:235,758,982, T>G on the plus strand (A>C on the coding strand, the complement: LYST is on the minus strand). VCF-style: chr1-235758982-T-G. GRCh37 (hg19) VCF-style: chr1-235922282-T-G.
Other names: c.6871A>C, p.Ser2291Arg (NM_001301365.1); short protein forms S2291R.
Identifiers: ClinVar variation 1361324 (VCV001361324.7), dbSNP rs2527802024, ClinGen allele CA344938851.